The following is an entry in ClinVar:

NM_001012339.3(DNAJC21):c.1297G>A (p.Glu433Lys)

Gene: DNAJC21 (DnaJ heat shock protein family (Hsp40) member C21; plus strand). Cytogenetic location: 5p13.2.
Variant type: single nucleotide variant.
Coding change: c.1297G>A on transcript NM_001012339.3 (MANE Select); coding-DNA position 1297, G replaced by A.
Protein change: p.Glu433Lys; replaces glutamic acid 433 with lysine.
Molecular consequence: missense variant.
Genome position (GRCh38, 1-based): chr5:34,950,281, G>A. VCF-style: chr5-34950281-G-A. GRCh37 (hg19) VCF-style: chr5-34950386-G-A.
Other names: c.1336G>A, p.Glu446Lys (NM_001348420.2); c.1432G>A, p.Glu478Lys (NM_194283.4); c.1297G>A (NM_001012339.2); short protein forms E433K, E446K, E478K.
Identifiers: ClinVar variation 728861 (VCV000728861.24), dbSNP rs34908091, ClinGen allele CA3228812.

ClinVar aggregate classification (germline): Conflicting classifications of pathogenicity. Review status: criteria provided, conflicting classifications (1 of 4 stars). 6 submissions from 6 submitters: Uncertain significance (1); Benign (2); Likely benign (2). 1 of the submissions does not count toward it. Last evaluated 2026-01-30.

Conditions:
DNAJC21-related disorder. Also called: DNAJC21-related condition.

Allele frequency attached by ClinVar (database versions not stated): 1000 Genomes Project 30x 0.00390; gnomAD exomes 0.00028 and 0.00076; ExAC 0.00088; gnomAD 0.00291 and 0.00315; 1000 Genomes Project 0.00319; TOPMed 0.00346; ESP Exome Variant Server 0.00354.
gnomAD v4.1: 866 of 1,613,820 alleles (0.054%); highest among the groups gnomAD compares: African/African-American, 1.1%; 5 homozygotes.

Submissions (6):

Women's Health and Genetics/Laboratory Corporation of America, LabCorp
Classification: Likely benign. Last evaluated: 2026-01-30. Review status: criteria provided, single submitter. Criteria: LabCorp Variant Classification Summary - May 2015. Collection method: clinical testing. Allele origin: germline.
Comment: Variant summary: DNAJC21 c.1297G>A (p.Glu433Lys) results in a conservative amino acid change in the encoded protein sequence. Algorithms developed to predict the effect of missense changes on protein structure and function are either unavailable or do not agree on the potential impact of this missense change. The variant allele was found at a frequency of 0.00076 in 251286 control chromosomes, predominantly at a frequency of 0.011 within the African or African-American subpopulation in the gnomAD database. The observed variant frequency within African or African-American control individuals in the gnomAD database exceeds the estimated maximal expected allele frequency for disease-causing variants in DNAJC21. To our knowledge, no occurrence of c.1297G>A in individuals affected with DNAJC21-related conditions and no experimental evidence demonstrating its impact on protein function have been reported. ClinVar contains an entry for this variant (Variation ID: 728861). Based on the evidence outlined above, the variant was classified as likely benign.

Labcorp Genetics (formerly Invitae), Labcorp
Classification: Benign. Last evaluated: 2026-01-25. Review status: criteria provided, single submitter. Criteria: Invitae Variant Classification Sherloc (09022015). Collection method: clinical testing. Allele origin: germline.

CeGaT Center for Human Genetics Tuebingen
Classification: Likely benign. Last evaluated: 2025-06-01. Review status: criteria provided, single submitter. Criteria: CeGaT Center For Human Genetics Tuebingen Variant Classification Criteria Version 2. Collection method: clinical testing. Allele origin: germline. Affected: yes. Observed: 1 variant allele.
Comment: DNAJC21: BP4, BS1

Blueprint Genetics
Classification: Uncertain significance. Last evaluated: 2024-11-26. Review status: criteria provided, single submitter. Criteria: ACMG Guidelines, 2015. Collection method: clinical testing. Allele origin: germline.

Breakthrough Genomics
Classification: Benign. Review status: criteria provided, single submitter. Criteria: ACMG Guidelines, 2015. Collection method: not provided. Allele origin: germline. Inheritance: Autosomal recessive inheritance. Affected: yes.

PreventionGenetics, part of Exact Sciences
Classification: Benign for DNAJC21-related condition. Last evaluated: 2020-11-24. Review status: no assertion criteria provided. Collection method: clinical testing. Allele origin: germline. Not counted in ClinVar's aggregate classification.
Comment: This variant is classified as benign based on ACMG/AMP sequence variant interpretation guidelines (Richards et al. 2015 PMID: 25741868, with internal and published modifications).